The following is an entry in ClinVar:

ClinVar aggregate classification (germline): Pathogenic. Review status: criteria provided, multiple submitters, no conflicts (2 of 4 stars). 4 submissions from 4 submitters: Pathogenic (4). Last evaluated 2025-04-25.

Conditions:
Familial cancer of breast. Also called: BREAST CANCER, FAMILIAL; Hereditary breast cancer; hereditary breast carcinoma. Identifiers: Orphanet 227535, MedGen C0346153, MONDO:0016419, OMIM 114480. Disease mechanism: loss of function.
Fanconi anemia complementation group J. Also called: BRIP1-Related Fanconi Anemia. Identifiers: Orphanet 84, MedGen C1836860, MONDO:0012187, OMIM 609054.
Hereditary cancer-predisposing syndrome. Also called: Tumor predisposition; Neoplastic Syndromes, Hereditary; Hereditary Cancer Syndrome; Hereditary neoplastic syndrome. Identifiers: Orphanet 140162, MedGen C0027672, MeSH D009386, MONDO:0015356.

Submissions (4):

Ambry Genetics
Classification: Pathogenic for Hereditary cancer-predisposing syndrome. Last evaluated: 2025-04-25. Review status: criteria provided, single submitter. Criteria: Ambry Variant Classification Scheme 2023. Collection method: clinical testing. Allele origin: germline.
Comment: The p.Q554* pathogenic mutation (also known as c.1660C>T), located in coding exon 11 of the BRIP1 gene, results from a C to T substitution at nucleotide position 1660. This changes the amino acid from a glutamine to a stop codon within coding exon 11. This variant is considered to be rare based on population cohorts in the Genome Aggregation Database (gnomAD). This alteration is expected to result in loss of function by premature protein truncation or nonsense-mediated mRNA decay. As such, this alteration is interpreted as a disease-causing mutation.

Labcorp Genetics (formerly Invitae), Labcorp
Classification: Pathogenic for Familial cancer of breast; Fanconi anemia complementation group J. Last evaluated: 2024-02-07. Review status: criteria provided, single submitter. Criteria: Invitae Variant Classification Sherloc (09022015). Collection method: clinical testing. Allele origin: germline.
Comment: This sequence change creates a premature translational stop signal (p.Gln554*) in the BRIP1 gene. It is expected to result in an absent or disrupted protein product. Loss-of-function variants in BRIP1 are known to be pathogenic (PMID: 16116423, 17033622, 21964575). This variant is not present in population databases (gnomAD no frequency). This variant has not been reported in the literature in individuals affected with BRIP1-related conditions. ClinVar contains an entry for this variant (Variation ID: 627662). Algorithms developed to predict the effect of sequence changes on RNA splicing suggest that this variant may disrupt the consensus splice site. For these reasons, this variant has been classified as Pathogenic.

Myriad Genetics, Inc.
Classification: Pathogenic for Familial cancer of breast. Last evaluated: 2023-06-05. Review status: criteria provided, single submitter. Criteria: Myriad Autosomal Dominant, Autosomal Recessive and X-Linked Classification Criteria (2023). Collection method: clinical testing. Allele origin: unknown.
Comment: This variant is considered pathogenic. This variant creates a termination codon and is predicted to result in premature protein truncation.

Color Diagnostics, LLC DBA Color Health
Classification: Pathogenic for Hereditary cancer-predisposing syndrome. Last evaluated: 2022-09-19. Review status: criteria provided, single submitter. Criteria: ACMG Guidelines, 2015. Collection method: clinical testing. Allele origin: germline.
Comment: This variant changes 1 nucleotide in exon 12 of the BRIP1 gene, creating a premature translation stop signal. This variant is expected to result in an absent or non-functional protein product. This variant has not been identified in the general population by the Genome Aggregation Database (gnomAD). Loss of BRIP1 function is a known mechanism of disease. Based on the available evidence, this variant is classified as Pathogenic.

Literature cited by the submitters: PubMed 16116423 (cited by Labcorp Genetics (formerly Invitae), Labcorp); PubMed 17033622 (cited by Labcorp Genetics (formerly Invitae), Labcorp); PubMed 21964575 (cited by Labcorp Genetics (formerly Invitae), Labcorp).

NM_032043.3(BRIP1):c.1660C>T (p.Gln554Ter)

Gene: BRIP1 (BRCA1 interacting DNA helicase 1; minus strand). Cytogenetic location: 17q23.2.
Variant type: single nucleotide variant.
Coding change: c.1660C>T on transcript NM_032043.3 (MANE Select); coding-DNA position 1660, C replaced by T.
Protein change: p.Gln554Ter; replaces glutamine 554 with a stop codon.
Molecular consequence: nonsense.
Genome position (GRCh38, 1-based): chr17:61,780,974, G>A on the plus strand (C>T on the coding strand, the complement: BRIP1 is on the minus strand). VCF-style: chr17-61780974-G-A. GRCh37 (hg19) VCF-style: chr17-59858335-G-A.
Other names: short protein forms Q554*.
Identifiers: ClinVar variation 627662 (VCV000627662.19), dbSNP rs777217004, ClinGen allele CA400480524.